The following is an entry in ClinVar:

NM_002838.5(PTPRC):c.2561+1G>T

Gene: PTPRC (protein tyrosine phosphatase receptor type C; plus strand). Cytogenetic location: 1q32.1.
Variant type: single nucleotide variant.
Coding change: c.2561+1G>T on transcript NM_002838.5 (MANE Select); the canonical splice donor site of the intron after coding-DNA position 2561, G replaced by T.
Molecular consequence: splice donor variant.
Genome position (GRCh38, 1-based): chr1:198,742,027, G>T. VCF-style: chr1-198742027-G-T. GRCh37 (hg19) VCF-style: chr1-198711156-G-T.
Other names: c.2078+1G>T (NM_080921.4).
Identifiers: ClinVar variation 3657098 (VCV003657098.2).

ClinVar aggregate classification (germline): Likely pathogenic (1 of 4 stars; one submission).

Conditions:
Immunodeficiency 104. Also called: SCID, AUTOSOMAL RECESSIVE, T CELL-NEGATIVE, B CELL-POSITIVE, NK CELL-POSITIVE; Severe combined immunodeficiency, autosomal recessive, T cell-negative, B cell-positive, NK cell-positive; Severe Combined Immune Deficiency, Autosomal Recessive, TCell -Negative, B Cell-Positive, NK Cell-Positive, IL7R-Related; IMMUNODEFICIENCY 104, SEVERE COMBINED. Identifiers: MedGen C5676890, MONDO:0012163, OMIM 608971.

Submission:

Labcorp Genetics (formerly Invitae), Labcorp
Classification: Likely pathogenic for Immunodeficiency 104. Last evaluated: 2024-06-19. Review status: criteria provided, single submitter. Criteria: Invitae Variant Classification Sherloc (09022015). Collection method: clinical testing. Allele origin: germline.
Comment: This sequence change affects a donor splice site in intron 24 of the PTPRC gene. It is expected to disrupt RNA splicing. Variants that disrupt the donor or acceptor splice site typically lead to a loss of protein function (PMID: 16199547), and loss-of-function variants in PTPRC are known to be pathogenic (PMID: 10700239). This variant is not present in population databases (gnomAD no frequency). This variant has not been reported in the literature in individuals affected with PTPRC-related conditions. Algorithms developed to predict the effect of sequence changes on RNA splicing suggest that this variant may disrupt the consensus splice site. In summary, the currently available evidence indicates that the variant is pathogenic, but additional data are needed to prove that conclusively. Therefore, this variant has been classified as Likely Pathogenic.

Literature cited by the submitters: PubMed 16199547; PubMed 10700239.